The following is an entry in ClinVar:

NM_004064.5(CDKN1B):c.8A>C (p.Asn3Thr)

Gene: CDKN1B (cyclin dependent kinase inhibitor 1B; plus strand). Cytogenetic location: 12p13.1.
Variant type: single nucleotide variant.
Coding change: c.8A>C on transcript NM_004064.5 (MANE Select); coding-DNA position 8, A replaced by C.
Protein change: p.Asn3Thr; replaces asparagine 3 with threonine.
Molecular consequence: missense variant.
Genome position (GRCh38, 1-based): chr12:12,717,847, A>C. VCF-style: chr12-12717847-A-C. GRCh37 (hg19) VCF-style: chr12-12870781-A-C.
Other names: short protein forms N3T.
Identifiers: ClinVar variation 3489643 (VCV003489643.1).

ClinVar aggregate classification (germline): Uncertain significance (1 of 4 stars; one submission).

Conditions:
Hereditary cancer-predisposing syndrome. Also called: Tumor predisposition; Neoplastic Syndromes, Hereditary; Hereditary Cancer Syndrome; Hereditary neoplastic syndrome. Identifiers: Orphanet 140162, MedGen C0027672, MeSH D009386, MONDO:0015356.

Submission:

Ambry Genetics
Classification: Uncertain significance for Hereditary cancer-predisposing syndrome. Last evaluated: 2024-12-01. Review status: criteria provided, single submitter. Criteria: Ambry Variant Classification Scheme 2023. Collection method: clinical testing. Allele origin: germline.
Comment: The p.N3T variant (also known as c.8A>C), located in coding exon 1 of the CDKN1B gene, results from an A to C substitution at nucleotide position 8. The asparagine at codon 3 is replaced by threonine, an amino acid with similar properties. This amino acid position is conserved. In addition, this alteration is predicted to be tolerated by in silico analysis. Based on the available evidence, the clinical significance of this variant remains unclear.